The following is an entry in ClinVar:

ClinVar aggregate classification (germline): Benign. Review status: criteria provided, multiple submitters, no conflicts (2 of 4 stars). 3 submissions from 3 submitters: Benign (2). 1 of the submissions does not count toward it. Last evaluated 2019-12-31.

Conditions:
BACE2-related disorder. Also called: BACE2-related condition.

Allele frequency attached by ClinVar (database versions not stated): gnomAD exomes 0.00444; gnomAD 0.01760 and 0.01629; TOPMed 0.01860; ExAC 0.00536; 1000 Genomes Project 0.01637; ESP Exome Variant Server 0.01753; 1000 Genomes Project 30x 0.01811.
gnomAD v4.1: 5,196 of 1,613,996 alleles (0.32%); highest among the groups gnomAD compares: African/African-American, 5.6%; 117 homozygotes.

Submissions (3):

Labcorp Genetics (formerly Invitae), Labcorp
Classification: Benign. Last evaluated: 2019-12-31. Review status: criteria provided, single submitter. Criteria: Invitae Variant Classification Sherloc (09022015). Collection method: clinical testing. Allele origin: germline.

Breakthrough Genomics
Classification: Benign. Review status: criteria provided, single submitter. Criteria: ACMG Guidelines, 2015. Collection method: not provided. Allele origin: germline. Inheritance: Unknown mechanism. Affected: yes.

PreventionGenetics, part of Exact Sciences
Classification: Benign for BACE2-related condition. Last evaluated: 2019-11-07. Review status: no assertion criteria provided. Collection method: clinical testing. Allele origin: germline. Not counted in ClinVar's aggregate classification.
Comment: This variant is classified as benign based on ACMG/AMP sequence variant interpretation guidelines (Richards et al. 2015 PMID: 25741868, with internal and published modifications).

NM_012105.5(BACE2):c.1304-8C>T

Genes: BACE2 (beta-secretase 2; plus strand), LOC126653380 (CDK7 strongly-dependent group 2 enhancer GRCh37_chr21:42646500-42647699; plus strand). Cytogenetic location: 21q22.3.
Variant type: single nucleotide variant.
Coding change: c.1304-8C>T on transcript NM_012105.5 (MANE Select); 8 bases into the intron before coding-DNA position 1304, C replaced by T.
Molecular consequence: intron variant.
Genome position (GRCh38, 1-based): chr21:41,275,363, C>T. VCF-style: chr21-41275363-C-T. GRCh37 (hg19) VCF-style: chr21-42647290-C-T.
Other names: c.1135-8C>T (NM_138992.3); c.1154-8C>T (NM_138991.3).
Identifiers: ClinVar variation 786690 (VCV000786690.7), dbSNP rs6517660, ClinGen allele CA10032343.